The following is an entry in ClinVar:

NM_001853.4(COL9A3):c.422dup (p.Pro143fs)

Gene: COL9A3 (collagen type IX alpha 3 chain; plus strand). Cytogenetic location: 20q13.33.
Variant type: Duplication.
Coding change: c.422dup on transcript NM_001853.4 (MANE Select); coding-DNA position 422, one base duplicated (C; older notation c.422dupC).
Protein change: p.Pro143fs; shifts the reading frame from proline 143.
Molecular consequence: frameshift variant.
Genome position (GRCh38, 1-based): chr20:62,821,809, C duplicated; the last of 6 consecutive C bases (chr20:62,821,804-62,821,809); duplicating any one gives the same sequence. VCF-style (leftmost placement, unchanged base first): chr20-62821803-G-GC. GRCh37 (hg19) VCF-style: chr20-61453155-G-GC.
Other names: short protein forms P143fs.
Identifiers: ClinVar variation 4726393 (VCV004726393.1).

ClinVar aggregate classification (germline): Pathogenic (1 of 4 stars; one submission).

Submission:

Labcorp Genetics (formerly Invitae), Labcorp
Classification: Pathogenic. Last evaluated: 2025-08-31. Review status: criteria provided, single submitter. Criteria: Invitae Variant Classification Sherloc (09022015). Collection method: clinical testing. Allele origin: germline.
Comment: This sequence change creates a premature translational stop signal (p.Pro143Thrfs*25) in the COL9A3 gene. It is expected to result in an absent or disrupted protein product. Loss-of-function variants in COL9A3 are known to be pathogenic (PMID: 24273071, 31090205). The frequency data for this variant in the population databases is considered unreliable, as metrics indicate poor data quality at this position in the gnomAD database. This variant has not been reported in the literature in individuals affected with COL9A3-related conditions. For these reasons, this variant has been classified as Pathogenic.

Literature cited by the submitters: PubMed 24273071; PubMed 31090205.